The following is an entry in ClinVar:

ClinVar aggregate classification (germline): Uncertain significance (1 of 4 stars; one submission).

Submission:

GeneDx
Classification: Uncertain significance. Last evaluated: 2023-07-18. Review status: criteria provided, single submitter. Criteria: GeneDx Variant Classification Process June 2021. Collection method: clinical testing. Allele origin: germline. Affected: yes.
Comment: Not observed at significant frequency in large population cohorts (gnomAD); In silico analysis supports that this missense variant does not alter protein structure/function; Has not been previously published as pathogenic or benign to our knowledge

NM_016148.5(SHANK1):c.5894C>A (p.Ala1965Asp)

Gene: SHANK1 (SH3 and multiple ankyrin repeat domains 1; minus strand). Cytogenetic location: 19q13.33.
Variant type: single nucleotide variant.
Coding change: c.5894C>A on transcript NM_016148.5 (MANE Select); coding-DNA position 5894, C replaced by A.
Protein change: p.Ala1965Asp; replaces alanine 1965 with aspartic acid.
Molecular consequence: missense variant.
Genome position (GRCh38, 1-based): chr19:50,662,557, G>T on the plus strand (C>A on the coding strand, the complement: SHANK1 is on the minus strand). VCF-style: chr19-50662557-G-T. GRCh37 (hg19) VCF-style: chr19-51165814-G-T.
Other names: short protein forms A1965D.
Identifiers: ClinVar variation 3361200 (VCV003361200.1).